The following is an entry in ClinVar:

NM_001201543.2(FAM161A):c.704C>A (p.Thr235Lys)

Gene: FAM161A (FAM161 centrosomal protein A; minus strand). Cytogenetic location: 2p15.
Variant type: single nucleotide variant.
Coding change: c.704C>A on transcript NM_001201543.2 (MANE Select); coding-DNA position 704, C replaced by A.
Protein change: p.Thr235Lys; replaces threonine 235 with lysine.
Molecular consequence: missense variant. On other transcripts: non-coding transcript variant (1).
Genome position (GRCh38, 1-based): chr2:61,840,300, G>T on the plus strand (C>A on the coding strand, the complement: FAM161A is on the minus strand). VCF-style: chr2-61840300-G-T. GRCh37 (hg19) VCF-style: chr2-62067435-G-T.
Other names: c.704C>A (NM_001201543.1); c.704C>A, p.Thr235Lys (NM_032180.3); short protein forms T235K.
Identifiers: ClinVar variation 1002116 (VCV001002116.8), dbSNP rs199759978, ClinGen allele CA1679303.

ClinVar aggregate classification (germline): Conflicting classifications of pathogenicity. Review status: criteria provided, conflicting classifications (1 of 4 stars). 5 submissions from 5 submitters: Uncertain significance (2); Likely benign (1). 2 of the submissions do not count toward it. Last evaluated 2025-06-01.

Conditions:
Inborn genetic diseases. Identifiers: MedGen C0950123, MeSH D030342.
FAM161A-related disorder. Also called: FAM161A-related condition.
Retinitis pigmentosa 28 (RP28). Identifiers: Orphanet 791, MedGen C1419614, MONDO:0011630, OMIM 606068.

Allele frequency attached by ClinVar (database versions not stated): TOPMed 0.00005; gnomAD 0.00006.
gnomAD v4.1: 211 of 1,613,890 alleles (0.013%); highest among the groups gnomAD compares: Non-Finnish European, 0.018%; no homozygotes.

Submissions (5):

Labcorp Genetics (formerly Invitae), Labcorp
Classification: Uncertain significance. Last evaluated: 2025-06-01. Review status: criteria provided, single submitter. Criteria: Invitae Variant Classification Sherloc (09022015). Collection method: clinical testing. Allele origin: germline.
Comment: This sequence change replaces threonine, which is neutral and polar, with lysine, which is basic and polar, at codon 235 of the FAM161A protein (p.Thr235Lys). The frequency data for this variant in the population databases is considered unreliable, as metrics indicate poor data quality at this position in the gnomAD database. This variant has not been reported in the literature in individuals affected with FAM161A-related conditions. ClinVar contains an entry for this variant (Variation ID: 1002116). Invitae Evidence Modeling of protein sequence and biophysical properties (such as structural, functional, and spatial information, amino acid conservation, physicochemical variation, residue mobility, and thermodynamic stability) indicates that this missense variant is not expected to disrupt FAM161A protein function with a negative predictive value of 80%. In summary, the available evidence is currently insufficient to determine the role of this variant in disease. Therefore, it has been classified as a Variant of Uncertain Significance.

Blueprint Genetics
Classification: Uncertain significance. Last evaluated: 2024-11-25. Review status: criteria provided, single submitter. Criteria: ACMG Guidelines, 2015. Collection method: clinical testing. Allele origin: germline.

Ambry Genetics
Classification: Likely benign for Inborn genetic diseases. Last evaluated: 2021-12-02. Review status: criteria provided, single submitter. Criteria: Ambry Variant Classification Scheme 2023. Collection method: clinical testing. Allele origin: germline.

PreventionGenetics, part of Exact Sciences
Classification: Uncertain significance for FAM161A-related condition. Last evaluated: 2024-04-05. Review status: no assertion criteria provided. Collection method: clinical testing. Allele origin: germline. Not counted in ClinVar's aggregate classification.
Comment: The FAM161A c.704C>A variant is predicted to result in the amino acid substitution p.Thr235Lys. To our knowledge, this variant has not been reported in the literature. This variant is reported in 0.012% of alleles in individuals of European (Non-Finnish) descent in gnomAD, including one homozygote. At this time, the clinical significance of this variant is uncertain due to the absence of conclusive functional and genetic evidence.

Natera, Inc.
Classification: Uncertain significance for Retinitis pigmentosa type 28. Last evaluated: 2020-01-24. Review status: no assertion criteria provided. Collection method: clinical testing. Allele origin: germline. Not counted in ClinVar's aggregate classification.